The following is an entry in ClinVar:

ClinVar aggregate classification (germline): Uncertain significance (1 of 4 stars; one submission).

gnomAD v4.1: 9 of 1,613,636 alleles (0.00056%); highest among the groups gnomAD compares: African/African-American, 0.012%; no homozygotes.

Submission:

Labcorp Genetics (formerly Invitae), Labcorp
Classification: Uncertain significance. Last evaluated: 2025-05-18. Review status: criteria provided, single submitter. Criteria: Invitae Variant Classification Sherloc (09022015). Collection method: clinical testing. Allele origin: germline.
Comment: This sequence change replaces serine, which is neutral and polar, with glycine, which is neutral and non-polar, at codon 3466 of the HMCN1 protein (p.Ser3466Gly). This variant is present in population databases (rs146782278, gnomAD 0.02%). This variant has not been reported in the literature in individuals affected with HMCN1-related conditions. An algorithm developed to predict the effect of missense changes on protein structure and function (PolyPhen-2) suggests that this variant is likely to be tolerated. In summary, the available evidence is currently insufficient to determine the role of this variant in disease. Therefore, it has been classified as a Variant of Uncertain Significance.

NM_031935.3(HMCN1):c.10396A>G (p.Ser3466Gly)

Gene: HMCN1 (hemicentin 1; plus strand). Cytogenetic location: 1q31.1.
Variant type: single nucleotide variant.
Coding change: c.10396A>G on transcript NM_031935.3 (MANE Select); coding-DNA position 10396, A replaced by G.
Protein change: p.Ser3466Gly; replaces serine 3466 with glycine.
Molecular consequence: missense variant.
Genome position (GRCh38, 1-based): chr1:186,095,344, A>G. VCF-style: chr1-186095344-A-G. GRCh37 (hg19) VCF-style: chr1-186064476-A-G.
Other names: short protein forms S3466G.
Identifiers: ClinVar variation 4704729 (VCV004704729.1).